The following is an entry in ClinVar:

NM_005458.8(GABBR2):c.2367G>C (p.Glu789Asp)

Gene: GABBR2 (gamma-aminobutyric acid type B receptor subunit 2; minus strand). Cytogenetic location: 9q22.33.
Variant type: single nucleotide variant.
Coding change: c.2367G>C on transcript NM_005458.8 (MANE Select); coding-DNA position 2367, G replaced by C.
Protein change: p.Glu789Asp; replaces glutamic acid 789 with aspartic acid.
Molecular consequence: missense variant.
Genome position (GRCh38, 1-based): chr9:98,303,286, C>G on the plus strand (G>C on the coding strand, the complement: GABBR2 is on the minus strand). VCF-style: chr9-98303286-C-G. GRCh37 (hg19) VCF-style: chr9-101065568-C-G.
Other names: short protein forms E789D.
Identifiers: ClinVar variation 1472385 (VCV001472385.8), dbSNP rs2131350009, ClinGen allele CA374197244.

ClinVar aggregate classification (germline): Uncertain significance (1 of 4 stars; one submission).

Conditions:
Epileptic encephalopathy. Identifiers: MedGen C0543888, HP:0200134.

Submission:

Labcorp Genetics (formerly Invitae), Labcorp
Classification: Uncertain significance for Epileptic encephalopathy. Last evaluated: 2020-12-17. Review status: criteria provided, single submitter. Criteria: Invitae Variant Classification Sherloc (09022015). Collection method: clinical testing. Allele origin: germline.
Comment: In summary, the available evidence is currently insufficient to determine the role of this variant in disease. Therefore, it has been classified as a Variant of Uncertain Significance. Algorithms developed to predict the effect of missense changes on protein structure and function (SIFT, PolyPhen-2, Align-GVGD) all suggest that this variant is likely to be tolerated, but these predictions have not been confirmed by published functional studies and their clinical significance is uncertain. This variant has not been reported in the literature in individuals with GABBR2-related conditions. This variant is not present in population databases (ExAC no frequency). This sequence change replaces glutamic acid with aspartic acid at codon 789 of the GABBR2 protein (p.Glu789Asp). The glutamic acid residue is highly conserved and there is a small physicochemical difference between glutamic acid and aspartic acid.